The following is an entry in ClinVar:

ClinVar aggregate classification (germline): Uncertain significance (1 of 4 stars; one submission).

Allele frequency attached by ClinVar (database versions not stated): ExAC 0.00001; gnomAD exomes 0.00001.
gnomAD v4.1: 11 of 1,613,990 alleles (0.00068%); highest among the groups gnomAD compares: Admixed American, 0.0017%; no homozygotes.

Submission:

Labcorp Genetics (formerly Invitae), Labcorp
Classification: Uncertain significance. Last evaluated: 2023-07-18. Review status: criteria provided, single submitter. Criteria: Invitae Variant Classification Sherloc (09022015). Collection method: clinical testing. Allele origin: germline.
Comment: This variant is present in population databases (rs748778995, gnomAD 0.003%). This variant has not been reported in the literature in individuals affected with SLC4A11-related conditions. Advanced modeling of protein sequence and biophysical properties (such as structural, functional, and spatial information, amino acid conservation, physicochemical variation, residue mobility, and thermodynamic stability) has been performed at Invitae for this missense variant, however the output from this modeling did not meet the statistical confidence thresholds required to predict the impact of this variant on SLC4A11 protein function. In summary, the available evidence is currently insufficient to determine the role of this variant in disease. Therefore, it has been classified as a Variant of Uncertain Significance. This sequence change replaces arginine, which is basic and polar, with cysteine, which is neutral and slightly polar, at codon 128 of the SLC4A11 protein (p.Arg128Cys).

NM_001174089.2(SLC4A11):c.334C>T (p.Arg112Cys)

Gene: SLC4A11 (solute carrier family 4 member 11; minus strand). Cytogenetic location: 20p13.
Variant type: single nucleotide variant.
Coding change: c.334C>T on transcript NM_001174089.2 (MANE Select); coding-DNA position 334, C replaced by T.
Protein change: p.Arg112Cys; replaces arginine 112 with cysteine.
Molecular consequence: missense variant. On other transcripts: non-coding transcript variant (3).
Genome position (GRCh38, 1-based): chr20:3,234,272, G>A on the plus strand (C>T on the coding strand, the complement: SLC4A11 is on the minus strand). VCF-style: chr20-3234272-G-A. GRCh37 (hg19) VCF-style: chr20-3214918-G-A.
Other names: c.463C>T, p.Arg155Cys (NM_001174090.2, NM_001400280.1); c.334C>T, p.Arg112Cys (NM_001363745.2); c.277C>T, p.Arg93Cys (NM_001400277.1, NM_001400278.1, NM_001400279.1); c.382C>T, p.Arg128Cys (NM_032034.4); short protein forms R93C, R155C, R112C, R128C.
Identifiers: ClinVar variation 2869816 (VCV002869816.2), dbSNP rs748778995, ClinGen allele CA9742327.